The following is an entry in ClinVar:

NM_016292.3(TRAP1):c.1346G>A (p.Arg449Gln)

Gene: TRAP1 (TNF receptor associated protein 1; minus strand). Cytogenetic location: 16p13.3.
Variant type: single nucleotide variant.
Coding change: c.1346G>A on transcript NM_016292.3 (MANE Select); coding-DNA position 1346, G replaced by A.
Protein change: p.Arg449Gln; replaces arginine 449 with glutamine.
Molecular consequence: missense variant.
Genome position (GRCh38, 1-based): chr16:3,666,008, C>T on the plus strand (G>A on the coding strand, the complement: TRAP1 is on the minus strand). VCF-style: chr16-3666008-C-T. GRCh37 (hg19) VCF-style: chr16-3716009-C-T.
Other names: c.1346G>A (NM_016292.2); c.1187G>A, p.Arg396Gln (NM_001272049.2); short protein forms R449Q, R396Q.
Identifiers: ClinVar variation 2183395 (VCV002183395.5), dbSNP rs764205911, ClinGen allele CA7868141.

ClinVar aggregate classification (germline): Uncertain significance. Review status: criteria provided, multiple submitters, no conflicts (2 of 4 stars). 2 submissions from 2 submitters: Uncertain significance (2). Last evaluated 2024-05-06.

Allele frequency attached by ClinVar (database versions not stated): ExAC 0.00002; TOPMed 0.00002; gnomAD 0.00004.
gnomAD v4.1: 20 of 1,613,984 alleles (0.0012%); highest among the groups gnomAD compares: African/African-American, 0.0027%; no homozygotes.

Submissions (2):

Labcorp Genetics (formerly Invitae), Labcorp
Classification: Uncertain significance. Last evaluated: 2024-05-06. Review status: criteria provided, single submitter. Criteria: Invitae Variant Classification Sherloc (09022015). Collection method: clinical testing. Allele origin: germline.
Comment: This sequence change replaces arginine, which is basic and polar, with glutamine, which is neutral and polar, at codon 449 of the TRAP1 protein (p.Arg449Gln). This variant is present in population databases (rs764205911, gnomAD 0.006%). This variant has not been reported in the literature in individuals affected with TRAP1-related conditions. ClinVar contains an entry for this variant (Variation ID: 2183395). Advanced modeling of protein sequence and biophysical properties (such as structural, functional, and spatial information, amino acid conservation, physicochemical variation, residue mobility, and thermodynamic stability) performed at Invitae indicates that this missense variant is not expected to disrupt TRAP1 protein function with a negative predictive value of 80%. In summary, the available evidence is currently insufficient to determine the role of this variant in disease. Therefore, it has been classified as a Variant of Uncertain Significance.

Ambry Genetics
Classification: Uncertain significance. Last evaluated: 2021-10-12. Review status: criteria provided, single submitter. Criteria: Ambry Variant Classification Scheme 2023. Collection method: clinical testing. Allele origin: germline.